The following is an entry in ClinVar:

NM_030662.4(MAP2K2):c.705+1G>A

Gene: MAP2K2 (mitogen-activated protein kinase kinase 2; minus strand). Cytogenetic location: 19p13.3.
Variant type: single nucleotide variant.
Coding change: c.705+1G>A on transcript NM_030662.4 (MANE Select); the canonical splice donor site of the intron after coding-DNA position 705, G replaced by A.
Molecular consequence: splice donor variant.
Genome position (GRCh38, 1-based): chr19:4,101,018, C>T on the plus strand (G>A on the coding strand, the complement: MAP2K2 is on the minus strand). VCF-style: chr19-4101018-C-T. GRCh37 (hg19) VCF-style: chr19-4101016-C-T.
Other names: c.705+1G>A (NM_001440688.1); c.135+1G>A (NM_001440689.1).
Identifiers: ClinVar variation 4797377 (VCV004797377.1).

ClinVar aggregate classification (germline): Uncertain significance (1 of 4 stars; one submission).

Conditions:
RASopathy. Also called: rasopathies; Noonan spectrum disorder. Identifiers: Orphanet 536391, MedGen C5555857, MONDO:0021060.

Submission:

Labcorp Genetics (formerly Invitae), Labcorp
Classification: Uncertain significance for RASopathy. Last evaluated: 2025-11-07. Review status: criteria provided, single submitter. Criteria: Invitae Variant Classification Sherloc (09022015). Collection method: clinical testing. Allele origin: germline.
Comment: This sequence change affects a donor splice site in intron 6 of the MAP2K2 gene. It is expected to disrupt RNA splicing. Variants that disrupt the donor or acceptor splice site typically lead to a loss of protein function (PMID: 16199547), however the current clinical and genetic evidence is not sufficient to establish whether loss-of-function variants in MAP2K2 cause disease. This variant is not present in population databases (gnomAD no frequency). This variant has not been reported in the literature in individuals affected with MAP2K2-related conditions. Algorithms developed to predict the effect of sequence changes on RNA splicing suggest that this variant may disrupt the consensus splice site. In summary, the available evidence is currently insufficient to determine the role of this variant in disease. Therefore, it has been classified as a Variant of Uncertain Significance.

Literature cited by the submitters: PubMed 16199547.